The following is an entry in ClinVar:

NM_001003787.4(STRADA):c.95-11C>A

Gene: STRADA (STE20 related adaptor alpha; minus strand). Cytogenetic location: 17q23.3.
Variant type: single nucleotide variant.
Coding change: c.95-11C>A on transcript NM_001003787.4 (MANE Select); 11 bases into the intron before coding-DNA position 95, C replaced by A.
Molecular consequence: intron variant.
Genome position (GRCh38, 1-based): chr17:63,723,337, G>T on the plus strand (C>A on the coding strand, the complement: STRADA is on the minus strand). VCF-style: chr17-63723337-G-T. GRCh37 (hg19) VCF-style: chr17-61800697-G-T.
Other names: c.12+5021C>A (NM_001363789.1, NM_001003786.3, NM_153335.6); c.-52+3301C>A (NM_001363790.1, NM_001363791.1, NM_001003788.3); c.71-11C>A (NM_001363786.1); c.36+4997C>A (NM_001165969.2, NM_001363787.1); c.94+3301C>A (NM_001165970.2); c.95-11C>A (NM_001363788.1).
Identifiers: ClinVar variation 2180340 (VCV002180340.4), dbSNP rs2511197311, ClinGen allele CA2580094581.
Genomic context (GRCh38, chr17:63,723,337, plus strand): 5'-AGGGCCTAGGAAGCCACTTACTTTTCTCCGAGTGTCACCCGGAGGCTGCTCTGGGGTAGA[G>T]AAATTGATTGTTGGCATTTTGTGTTTTAGCAGAAGACACACCCACATTCAGAACAGCAAT-3'

ClinVar aggregate classification (germline): Uncertain significance (1 of 4 stars; one submission).

Conditions:
Polyhydramnios, megalencephaly, and symptomatic epilepsy (PMSE). Also called: PMSE SYNDROME. Identifiers: Orphanet 500533, MedGen C1970203, MONDO:0012611, OMIM 611087.

Allele frequency attached by ClinVar (database versions not stated): gnomAD exomes below 0.00001.
gnomAD v4.1: 1 of 1,614,186 alleles (0.000062%); highest among the groups gnomAD compares: Admixed American, 0.0017%; no homozygotes.

Submission:

Labcorp Genetics (formerly Invitae), Labcorp
Classification: Uncertain significance for Polyhydramnios, megalencephaly, and symptomatic epilepsy. Last evaluated: 2022-06-24. Review status: criteria provided, single submitter. Criteria: Invitae Variant Classification Sherloc (09022015). Collection method: clinical testing. Allele origin: germline.
Comment: In summary, the available evidence is currently insufficient to determine the role of this variant in disease. Therefore, it has been classified as a Variant of Uncertain Significance. Algorithms developed to predict the effect of sequence changes on RNA splicing suggest that this variant may disrupt the consensus splice site. This variant has not been reported in the literature in individuals affected with STRADA-related conditions. This variant is not present in population databases (gnomAD no frequency). This sequence change falls in intron 3 of the STRADA gene. It does not directly change the encoded amino acid sequence of the STRADA protein.